The following is an entry in ClinVar:

NM_032242.4(PLXNA1):c.4527C>T (p.Asn1509=)

Gene: PLXNA1 (plexin A1; plus strand). Cytogenetic location: 3q21.3.
Variant type: single nucleotide variant.
Coding change: c.4527C>T on transcript NM_032242.4 (MANE Select); coding-DNA position 4527, C replaced by T.
Protein change: p.Asn1509=; no amino-acid change (asparagine 1509 retained).
Molecular consequence: synonymous variant.
Genome position (GRCh38, 1-based): chr3:127,028,198, C>T. VCF-style: chr3-127028198-C-T. GRCh37 (hg19) VCF-style: chr3-126747041-C-T.
Identifiers: ClinVar variation 3029844 (VCV003029844.2), dbSNP rs770387484, ClinGen allele CA435508401.

ClinVar aggregate classification (germline): Likely benign (0 of 4 stars; one submission).

Conditions:
PLXNA1-related disorder. Also called: PLXNA1-related condition.

gnomAD v4.1: 7 of 1,613,240 alleles (0.00043%); highest among the groups gnomAD compares: South Asian, 0.0022%; no homozygotes.

Submission:

PreventionGenetics, part of Exact Sciences
Classification: Likely benign for PLXNA1-related condition. Last evaluated: 2021-09-13. Review status: no assertion criteria provided. Collection method: clinical testing. Allele origin: germline.
Comment: This variant is classified as likely benign based on ACMG/AMP sequence variant interpretation guidelines (Richards et al. 2015 PMID: 25741868, with internal and published modifications).